The following is an entry in ClinVar:

NM_022114.4(PRDM16):c.1185A>G (p.Ile395Met)

Gene: PRDM16 (PR/SET domain 16; plus strand). Cytogenetic location: 1p36.32.
Variant type: single nucleotide variant.
Coding change: c.1185A>G on transcript NM_022114.4 (MANE Select); coding-DNA position 1185, A replaced by G.
Protein change: p.Ile395Met; replaces isoleucine 395 with methionine.
Molecular consequence: missense variant.
Genome position (GRCh38, 1-based): chr1:3,405,647, A>G. VCF-style: chr1-3405647-A-G. GRCh37 (hg19) VCF-style: chr1-3322211-A-G.
Other names: c.1185A>G, p.Ile395Met (NM_199454.3); short protein forms I395M.
Identifiers: ClinVar variation 1952232 (VCV001952232.5), dbSNP rs2523847742, ClinGen allele CA338005873.
Genomic context (GRCh38, chr1:3,405,647, plus strand): 5'-CGCCACGTCCTCCGGCCTCAAGCAGCACAAGCATATCCACAGCACGGTGAAGCCTTTCAT[A>G]TGTGAGTGGTCGCCCAGCCTGGCCGCCTGCCCTCCGGGTGCGCGGATGCCGTGGCGGTCG-3'
Protein context (NP_071397.3, residues 385-405): KHIHSTVKPF[Ile395Met]CEVCHKSYTQ

ClinVar aggregate classification (germline): Uncertain significance (1 of 4 stars; one submission).

Conditions:
Left ventricular noncompaction 8 (LVNC8). Identifiers: Orphanet 154, Orphanet 54260, MedGen C3809288, MONDO:0014152, OMIM 615373.

Allele frequency attached by ClinVar (database versions not stated): gnomAD exomes below 0.00001.
gnomAD v4.1: 2 of 1,576,036 alleles (0.00013%); highest among the groups gnomAD compares: South Asian, 0.0011%; no homozygotes.

Submission:

Labcorp Genetics (formerly Invitae), Labcorp
Classification: Uncertain significance for Left ventricular noncompaction 8. Last evaluated: 2022-10-04. Review status: criteria provided, single submitter. Criteria: Invitae Variant Classification Sherloc (09022015). Collection method: clinical testing. Allele origin: germline.
Comment: In summary, the available evidence is currently insufficient to determine the role of this variant in disease. Therefore, it has been classified as a Variant of Uncertain Significance. Algorithms developed to predict the effect of sequence changes on RNA splicing suggest that this variant may create or strengthen a splice site. Algorithms developed to predict the effect of missense changes on protein structure and function are either unavailable or do not agree on the potential impact of this missense change (SIFT: "Deleterious"; PolyPhen-2: "Possibly Damaging"; Align-GVGD: "Class C0"). This variant has not been reported in the literature in individuals affected with PRDM16-related conditions. This variant is not present in population databases (gnomAD no frequency). This sequence change replaces isoleucine, which is neutral and non-polar, with methionine, which is neutral and non-polar, at codon 395 of the PRDM16 protein (p.Ile395Met).